The following is an entry in ClinVar:

ClinVar aggregate classification (germline): Likely pathogenic (1 of 4 stars; one submission).

Conditions:
Neurodegeneration with brain iron accumulation 5 (NBIA5). Also called: STATIC ENCEPHALOPATHY OF CHILDHOOD WITH NEURODEGENERATION IN ADULTHOOD; Beta-propeller protein-associated neurodegeneration. Identifiers: Orphanet 329284, MedGen C3550973, MONDO:0010476, OMIM 300894.

Submission:

Labcorp Genetics (formerly Invitae), Labcorp
Classification: Likely pathogenic for Neurodegeneration with brain iron accumulation 5. Last evaluated: 2021-11-16. Review status: criteria provided, single submitter. Criteria: Invitae Variant Classification Sherloc (09022015). Collection method: clinical testing. Allele origin: germline.
Comment: This sequence change affects a donor splice site in intron 9 of the WDR45 gene. It is expected to disrupt RNA splicing. Variants that disrupt the donor or acceptor splice site typically lead to a loss of protein function (PMID: 16199547), and loss-of-function variants in WDR45 are known to be pathogenic (PMID: 23176820, 24368176, 24621584, 25744623, 26790960, 27030146, 27652284, 28554332). In summary, the currently available evidence indicates that the variant is pathogenic, but additional data are needed to prove that conclusively. Therefore, this variant has been classified as Likely Pathogenic. Algorithms developed to predict the effect of sequence changes on RNA splicing suggest that this variant may disrupt the consensus splice site. This variant has not been reported in the literature in individuals affected with WDR45-related conditions. This variant is not present in population databases (gnomAD no frequency).

Literature cited by the submitters: PubMed 16199547; PubMed 23176820; PubMed 24368176; PubMed 24621584; PubMed 25744623; PubMed 26790960; PubMed 27030146; PubMed 27652284; PubMed 28554332.

NM_001029896.2(WDR45):c.725+1G>T

Gene: WDR45 (WD repeat domain 45; minus strand). Cytogenetic location: Xp11.23.
Variant type: single nucleotide variant.
Coding change: c.725+1G>T on transcript NM_001029896.2 (MANE Select); the canonical splice donor site of the intron after coding-DNA position 725, G replaced by T.
Molecular consequence: splice donor variant.
Genome position (GRCh38, 1-based): chrX:49,075,544, C>A on the plus strand (G>T on the coding strand, the complement: WDR45 is on the minus strand). VCF-style: chrX-49075544-C-A. GRCh37 (hg19) VCF-style: chrX-48933203-C-A.
Other names: c.728+1G>T (NM_007075.4).
Identifiers: ClinVar variation 1519966 (VCV001519966.6), dbSNP rs2147815304, ClinGen allele CA412943297.